The following is an entry in ClinVar:

ClinVar aggregate classification (germline): Uncertain significance. Review status: criteria provided, multiple submitters, no conflicts (2 of 4 stars). 2 submissions from 2 submitters: Uncertain significance (2). Last evaluated 2025-08-24.

Conditions:
Inborn genetic diseases. Identifiers: MedGen C0950123, MeSH D030342.
Congenital disorder of glycosylation, type Iaa. Also called: Congenital disorder of glycosylation, type 1aa. Identifiers: MedGen C4310727, MONDO:0014904, OMIM 617082.

Allele frequency attached by ClinVar (database versions not stated): TOPMed 0.00002; gnomAD exomes 0.00003.

Submissions (2):

Ambry Genetics
Classification: Uncertain significance for Inborn genetic diseases. Last evaluated: 2025-08-24. Review status: criteria provided, single submitter. Criteria: Ambry Variant Classification Scheme 2023. Collection method: clinical testing. Allele origin: germline.

Labcorp Genetics (formerly Invitae), Labcorp
Classification: Uncertain significance for Congenital disorder of glycosylation, type Iaa. Last evaluated: 2024-10-30. Review status: criteria provided, single submitter. Criteria: Invitae Variant Classification Sherloc (09022015). Collection method: clinical testing. Allele origin: germline.
Comment: This sequence change replaces arginine, which is basic and polar, with cysteine, which is neutral and slightly polar, at codon 57 of the NUS1 protein (p.Arg57Cys). This variant is not present in population databases (gnomAD no frequency). This variant has not been reported in the literature in individuals affected with NUS1-related conditions. ClinVar contains an entry for this variant (Variation ID: 2511436). An algorithm developed to predict the effect of missense changes on protein structure and function (PolyPhen-2) suggests that this variant is likely to be tolerated. In summary, the available evidence is currently insufficient to determine the role of this variant in disease. Therefore, it has been classified as a Variant of Uncertain Significance.

NM_138459.5(NUS1):c.169C>T (p.Arg57Cys)

Gene: NUS1 (NUS1 dehydrodolichyl diphosphate synthase subunit; plus strand). Cytogenetic location: 6q22.1.
Variant type: single nucleotide variant.
Coding change: c.169C>T on transcript NM_138459.5 (MANE Select); coding-DNA position 169, C replaced by T.
Protein change: p.Arg57Cys; replaces arginine 57 with cysteine.
Molecular consequence: missense variant.
Genome position (GRCh38, 1-based): chr6:117,675,839, C>T. VCF-style: chr6-117675839-C-T. GRCh37 (hg19) VCF-style: chr6-117997002-C-T.
Other names: short protein forms R57C.
Identifiers: ClinVar variation 2511436 (VCV002511436.6), dbSNP rs931066153, ClinGen allele CA146431384.